The following is an entry in ClinVar:

NM_001283009.2(RTEL1):c.3074_3096del (p.Gly1025fs)

Genes: RTEL1 (regulator of telomere elongation helicase 1; plus strand), RTEL1-TNFRSF6B (RTEL1-TNFRSF6B readthrough (NMD candidate); plus strand). Cytogenetic location: 20q13.33.
Variant type: Deletion.
Coding change: c.3074_3096del on transcript NM_001283009.2 (MANE Select); coding-DNA positions 3074 to 3096, 23 bases deleted (GCAGGCCCCACCTGTCGCCCAGG).
Protein change: p.Gly1025fs; shifts the reading frame from glycine 1025.
Molecular consequence: frameshift variant. On other transcripts: non-coding transcript variant (1).
Genome position (GRCh38, 1-based): chr20:63,694,453-63,694,475, GCAGGCCCCACCTGTCGCCCAGG deleted; deleting any 23 consecutive bases within chr20:63,694,448-63,694,475 gives the same sequence; the c. name uses the placement nearest the transcript's 3' end. VCF-style (leftmost placement, unchanged base first): chr20-63694447-ACCAGGGCAGGCCCCACCTGTCGC-A. GRCh37 (hg19) VCF-style: chr20-62325800-ACCAGGGCAGGCCCCACCTGTCGC-A.
Other names: c.2405_2427del, p.Gly802fs (NM_001283010.1); c.3074_3096del, p.Gly1025fs (NM_016434.4); c.3146_3168del, p.Gly1049fs (NM_032957.5); short protein forms G1025fs, G1049fs, G802fs.
Identifiers: ClinVar variation 1072371 (VCV001072371.7), dbSNP rs2145471381, ClinGen allele CA2499225836.

ClinVar aggregate classification (germline): Pathogenic (1 of 4 stars; one submission).

Conditions:
Dyskeratosis congenita, autosomal recessive 5 (DKCB5). Identifiers: MedGen C3554656, MONDO:0014076, OMIM 615190.
Pulmonary fibrosis and/or bone marrow failure, Telomere-related, 3. Also called: PULMONARY FIBROSIS AND/OR BONE MARROW FAILURE SYNDROME, TELOMERE-RELATED, 3. Identifiers: Orphanet 2032, MedGen C4225346, MONDO:0014613, OMIM 616373.

Submission:

Labcorp Genetics (formerly Invitae), Labcorp
Classification: Pathogenic for Dyskeratosis congenita, autosomal recessive 5; Pulmonary fibrosis and/or bone marrow failure, Telomere-related, 3. Last evaluated: 2020-09-24. Review status: criteria provided, single submitter. Criteria: Invitae Variant Classification Sherloc (09022015). Collection method: clinical testing. Allele origin: germline.
Comment: This sequence change creates a premature translational stop signal (p.Gly1025Alafs*34) in the RTEL1 gene. It is expected to result in an absent or disrupted protein product. This variant is not present in population databases (ExAC no frequency). This variant has not been reported in the literature in individuals with RTEL1-related conditions. Loss-of-function variants in RTEL1 are known to be pathogenic (PMID: 23453664, 23959892, 25607374). For these reasons, this variant has been classified as Pathogenic.

Literature cited by the submitters: PubMed 23453664; PubMed 23959892; PubMed 25607374.